The following is an entry in ClinVar:

ClinVar aggregate classification (germline): Uncertain significance (1 of 4 stars; one submission).

Submission:

Dasa
Classification: Uncertain significance. Last evaluated: 2025-11-06. Review status: criteria provided, single submitter. Criteria: DASA Assertion Criteria. Collection method: clinical testing. Allele origin: germline.
Comment: NM_003289.4(TPM2):c.448G>C (p.Glu150Gln) is a missense variant that results in the substitution of glutamic acid with glutamine. This variant is absent from population databases. Computational prediction algorithms are consistent with a deleterious effect. The currently available literature and clinical evidence are not sufficient to establish a definitive association between this variant and the reported condition. Therefore, this variant is classified as a variant of uncertain significance.

NM_003289.4(TPM2):c.448G>C (p.Glu150Gln)

Gene: TPM2 (tropomyosin 2; minus strand). Cytogenetic location: 9p13.3.
Variant type: single nucleotide variant.
Coding change: c.448G>C on transcript NM_003289.4 (MANE Select); coding-DNA position 448, G replaced by C.
Protein change: p.Glu150Gln; replaces glutamic acid 150 with glutamine.
Molecular consequence: missense variant.
Genome position (GRCh38, 1-based): chr9:35,685,478, C>G on the plus strand (G>C on the coding strand, the complement: TPM2 is on the minus strand). VCF-style: chr9-35685478-C-G. GRCh37 (hg19) VCF-style: chr9-35685475-C-G.
Other names: c.448G>C, p.Glu150Gln (NM_001301226.2, NM_001301227.2, NM_213674.1); short protein forms E150Q.
Identifiers: ClinVar variation 4881541 (VCV004881541.2).